The following is an entry in ClinVar:

NM_001364905.1(LRBA):c.3985_3986del (p.Asp1329fs)

Gene: LRBA (LPS responsive beige-like anchor protein; minus strand). Cytogenetic location: 4q31.3.
Variant type: Deletion.
Coding change: c.3985_3986del on transcript NM_001364905.1 (MANE Select); coding-DNA positions 3985 to 3986, 2 bases deleted (GA; older notation c.3985_3986delGA).
Protein change: p.Asp1329fs; shifts the reading frame from aspartic acid 1329.
Molecular consequence: frameshift variant.
Genome position (GRCh38, 1-based): chr4:150,850,742-150,850,743, TC deleted on the plus strand (GA on the coding strand, the reverse complement: LRBA is on the minus strand); deleting any 2 consecutive bases within chr4:150,850,742-150,850,744 gives the same sequence; the c. name uses the placement nearest the transcript's 3' end. VCF-style (leftmost placement, unchanged base first): chr4-150850741-ATC-A. GRCh37 (hg19) VCF-style: chr4-151771893-ATC-A.
Other names: c.3985_3986del, p.Asp1329fs (NM_001367550.1); c.3984_3985delAG, p.Asp1329Tyrfs (NM_006726.5, NM_001199282.3); short protein forms D1329fs.
Identifiers: ClinVar variation 3362523 (VCV003362523.3).
Genomic context (GRCh38, chr4:150,850,741, plus strand): 5'-ACTAGGTTTATACACATCTTCCATAATAAACATATAGACAAACCTTCTCCACATCTGTAT[ATC>A]TGTTTCTATTGAAAATAATAGATCAGTGAGCAAACGTTGATGCATCTGAGACCAGTTGAA-3'

ClinVar aggregate classification (germline): Pathogenic/Likely pathogenic. Review status: criteria provided, multiple submitters, no conflicts (2 of 4 stars). 2 submissions from 2 submitters: Pathogenic (1); Likely pathogenic (1). Last evaluated 2024-09-22.

Conditions:
Combined immunodeficiency due to LRBA deficiency. Also called: Common variable immunodeficiency 8, with autoimmunity. Identifiers: Orphanet 445018, MedGen C3553512, MONDO:0013863, OMIM 614700.

Submissions (2):

Genomic Medicine Center of Excellence, King Faisal Specialist Hospital and Research Centre
Classification: Likely pathogenic for Combined immunodeficiency due to LRBA deficiency. Last evaluated: 2024-09-22. Review status: criteria provided, single submitter. Criteria: ACMG Guidelines, 2015. Collection method: clinical testing. Allele origin: germline.

Labcorp Genetics (formerly Invitae), Labcorp
Classification: Pathogenic for Combined immunodeficiency due to LRBA deficiency. Last evaluated: 2024-06-13. Review status: criteria provided, single submitter. Criteria: Invitae Variant Classification Sherloc (09022015). Collection method: clinical testing. Allele origin: germline.
Comment: This sequence change creates a premature translational stop signal (p.Asp1329Tyrfs*18) in the LRBA gene. It is expected to result in an absent or disrupted protein product. Loss-of-function variants in LRBA are known to be pathogenic (PMID: 26206937, 26768763). This variant is not present in population databases (gnomAD no frequency). This premature translational stop signal has been observed in individual(s) with clinical features of LRBA deficiency (PMID: 26915675, 28831385). For these reasons, this variant has been classified as Pathogenic.

Literature cited by the submitters: PubMed 26206937 (cited by Labcorp Genetics (formerly Invitae), Labcorp); PubMed 26768763 (cited by Labcorp Genetics (formerly Invitae), Labcorp); PubMed 26915675 (cited by Labcorp Genetics (formerly Invitae), Labcorp); PubMed 28831385 (cited by Labcorp Genetics (formerly Invitae), Labcorp).